The following is an entry in ClinVar:

NM_007194.4(CHEK2):c.33G>C (p.Gln11His)

Gene: CHEK2 (checkpoint kinase 2; minus strand). Cytogenetic location: 22q12.1.
Variant type: single nucleotide variant.
Coding change: c.33G>C on transcript NM_007194.4 (MANE Select); coding-DNA position 33, G replaced by C.
Protein change: p.Gln11His; replaces glutamine 11 with histidine.
Molecular consequence: missense variant.
Genome position (GRCh38, 1-based): chr22:28,734,689, C>G on the plus strand (G>C on the coding strand, the complement: CHEK2 is on the minus strand). VCF-style: chr22-28734689-C-G. GRCh37 (hg19) VCF-style: chr22-29130677-C-G.
Other names: c.33G>C, p.Gln11His (NM_001005735.3, NM_001349956.3, NM_145862.3); c.-745G>C (NM_001257387.3); short protein forms Q11H.
Identifiers: ClinVar variation 1731046 (VCV001731046.8), dbSNP rs2146155849, ClinGen allele CA411091979.

ClinVar aggregate classification (germline): Uncertain significance. Review status: criteria provided, multiple submitters, no conflicts (2 of 4 stars). 2 submissions from 2 submitters: Uncertain significance (2). Last evaluated 2025-04-02.

Conditions:
Hereditary cancer-predisposing syndrome. Also called: Neoplastic Syndromes, Hereditary; Tumor predisposition; Hereditary Cancer Syndrome; Hereditary neoplastic syndrome. Identifiers: Orphanet 140162, MedGen C0027672, MeSH D009386, MONDO:0015356.
Familial cancer of breast. Also called: BREAST CANCER, FAMILIAL; Hereditary breast cancer; hereditary breast carcinoma. Identifiers: Orphanet 227535, MedGen C0346153, MONDO:0016419, OMIM 114480. Disease mechanism: loss of function.

Submissions (2):

Ambry Genetics
Classification: Uncertain significance for Hereditary cancer-predisposing syndrome. Last evaluated: 2025-04-02. Review status: criteria provided, single submitter. Criteria: Ambry Variant Classification Scheme 2023. Collection method: clinical testing. Allele origin: germline.
Comment: The p.Q11H variant (also known as c.33G>C), located in coding exon 1 of the CHEK2 gene, results from a G to C substitution at nucleotide position 33. The glutamine at codon 11 is replaced by histidine, an amino acid with highly similar properties. This amino acid position is well conserved in available vertebrate species. In addition, the in silico prediction for this alteration is inconclusive. Based on the available evidence, the clinical significance of this variant remains unclear.

Labcorp Genetics (formerly Invitae), Labcorp
Classification: Uncertain significance for Familial cancer of breast. Last evaluated: 2022-04-22. Review status: criteria provided, single submitter. Criteria: Invitae Variant Classification Sherloc (09022015). Collection method: clinical testing. Allele origin: germline.
Comment: This sequence change replaces glutamine, which is neutral and polar, with histidine, which is basic and polar, at codon 11 of the CHEK2 protein (p.Gln11His). This variant is not present in population databases (gnomAD no frequency). This variant has not been reported in the literature in individuals affected with CHEK2-related conditions. Algorithms developed to predict the effect of missense changes on protein structure and function (SIFT, PolyPhen-2, Align-GVGD) all suggest that this variant is likely to be tolerated. In summary, the available evidence is currently insufficient to determine the role of this variant in disease. Therefore, it has been classified as a Variant of Uncertain Significance.